The following is an entry in ClinVar:

ClinVar aggregate classification (germline): Uncertain significance (1 of 4 stars; one submission).

Submission:

Labcorp Genetics (formerly Invitae), Labcorp
Classification: Uncertain significance. Last evaluated: 2024-12-28. Review status: criteria provided, single submitter. Criteria: Invitae Variant Classification Sherloc (09022015). Collection method: clinical testing. Allele origin: germline.
Comment: This sequence change replaces aspartic acid, which is acidic and polar, with glycine, which is neutral and non-polar, at codon 571 of the CYFIP2 protein (p.Asp571Gly). This variant is not present in population databases (gnomAD no frequency). This variant has not been reported in the literature in individuals affected with CYFIP2-related conditions. Experimental studies and prediction algorithms are not available or were not evaluated, and the functional significance of this variant is currently unknown. In summary, the available evidence is currently insufficient to determine the role of this variant in disease. Therefore, it has been classified as a Variant of Uncertain Significance.

NM_001037333.3(CYFIP2):c.1712A>G (p.Asp571Gly)

Gene: CYFIP2 (cytoplasmic FMR1 interacting protein 2; plus strand). Cytogenetic location: 5q33.3.
Variant type: single nucleotide variant.
Coding change: c.1712A>G on transcript NM_001037333.3 (MANE Select); coding-DNA position 1712, A replaced by G.
Protein change: p.Asp571Gly; replaces aspartic acid 571 with glycine.
Molecular consequence: missense variant.
Genome position (GRCh38, 1-based): chr5:157,323,961, A>G. VCF-style: chr5-157323961-A-G. GRCh37 (hg19) VCF-style: chr5-156750969-A-G.
Other names: c.1634A>G, p.Asp545Gly (NM_001291721.2); c.1787A>G, p.Asp596Gly (NM_001291722.2); c.1712A>G, p.Asp571Gly (NM_014376.4); short protein forms D545G, D571G, D596G.
Identifiers: ClinVar variation 3728176 (VCV003728176.2).